The following is an entry in ClinVar:

NM_144666.3(DNHD1):c.6395C>T (p.Thr2132Ile)

Gene: DNHD1 (dynein heavy chain domain 1; plus strand). Cytogenetic location: 11p15.4.
Variant type: single nucleotide variant.
Coding change: c.6395C>T on transcript NM_144666.3 (MANE Select); coding-DNA position 6395, C replaced by T.
Protein change: p.Thr2132Ile; replaces threonine 2132 with isoleucine.
Molecular consequence: missense variant.
Genome position (GRCh38, 1-based): chr11:6,547,334, C>T. VCF-style: chr11-6547334-C-T. GRCh37 (hg19) VCF-style: chr11-6568564-C-T.
Other names: short protein forms T2132I.
Identifiers: ClinVar variation 5040787 (VCV005040787.1).
Genomic context (GRCh38, chr11:6,547,334, plus strand): 5'-GTGGACAGCAGATAGCACGACCCCCAGGCACCTTTCTCTTGATGGAGGTGGCTGACACAA[C>T]AGGCATATCCCCCACAGTGGTAGGCTGTTGTGCCCTAGTCTGGTGTGGTGGAGAGCAGAC-3'
Protein context (NP_653267.2, residues 2122-2142): TFLLMEVADT[Thr2132Ile]GISPTVVGCC

ClinVar aggregate classification (germline): Uncertain significance (1 of 4 stars; one submission).

gnomAD v4.1: 641 of 1,551,708 alleles (0.041%); highest among the groups gnomAD compares: Non-Finnish European, 0.052%; 1 homozygote.

Submission:

CeGaT Center for Human Genetics Tuebingen
Classification: Uncertain significance. Last evaluated: 2026-09-01. Review status: criteria provided, single submitter. Criteria: CeGaT Center For Human Genetics Tuebingen Variant Classification Criteria Version 2. Collection method: clinical testing. Allele origin: germline. Affected: yes. Observed: 1 variant allele.
Comment: DNHD1: PP2